The following is an entry in ClinVar:

ClinVar aggregate classification (germline): Pathogenic. Review status: criteria provided, multiple submitters, no conflicts (2 of 4 stars). 2 submissions from 2 submitters: Pathogenic (2). Last evaluated 2024-08-12.

Conditions:
USH2A-related disorder. Also called: USH2A-related disorders; USH2A-related condition. Identifiers: MedGen CN239332.

Submissions (2):

Blueprint Genetics
Classification: Pathogenic for USH2A-related disorders. Last evaluated: 2024-08-12. Review status: criteria provided, single submitter. Criteria: ACMG Guidelines, 2015. Collection method: clinical testing. Allele origin: germline. Affected: yes. Observed: 2 variant alleles.

Labcorp Genetics (formerly Invitae), Labcorp
Classification: Pathogenic. Last evaluated: 2023-07-29. Review status: criteria provided, single submitter. Criteria: Invitae Variant Classification Sherloc (09022015). Collection method: clinical testing. Allele origin: germline.
Comment: For these reasons, this variant has been classified as Pathogenic. This premature translational stop signal has been observed in individual(s) with Usher syndrome (PMID: 21569298). This variant is not present in population databases (gnomAD no frequency). This sequence change creates a premature translational stop signal (p.Thr2991Argfs*61) in the USH2A gene. It is expected to result in an absent or disrupted protein product. Loss-of-function variants in USH2A are known to be pathogenic (PMID: 10729113, 10909849, 20507924, 25649381).

Literature cited by the submitters: PubMed 21569298 (cited by Labcorp Genetics (formerly Invitae), Labcorp); PubMed 10729113 (cited by Labcorp Genetics (formerly Invitae), Labcorp); PubMed 10909849 (cited by Labcorp Genetics (formerly Invitae), Labcorp); PubMed 20507924 (cited by Labcorp Genetics (formerly Invitae), Labcorp); PubMed 25649381 (cited by Labcorp Genetics (formerly Invitae), Labcorp).

NM_206933.4(USH2A):c.8972_8973del (p.Thr2991fs)

Gene: USH2A (usherin; minus strand). Cytogenetic location: 1q41.
Variant type: Microsatellite.
Coding change: c.8972_8973del on transcript NM_206933.4 (MANE Select); coding-DNA positions 8972 to 8973, 2 bases deleted (CA; older notation c.8972_8973delCA).
Protein change: p.Thr2991fs; shifts the reading frame from threonine 2991.
Molecular consequence: frameshift variant.
Genome position (GRCh38, 1-based): chr1:215,845,906-215,845,907, TG deleted on the plus strand (CA on the coding strand, the reverse complement: USH2A is on the minus strand); deleting any 2 consecutive bases within chr1:215,845,906-215,845,910 gives the same sequence; the c. name uses the placement nearest the transcript's 3' end. VCF-style (leftmost placement, unchanged base first): chr1-215845905-CTG-C. GRCh37 (hg19) VCF-style: chr1-216019247-CTG-C.
Other names: short protein forms T2991fs.
Identifiers: ClinVar variation 2734084 (VCV002734084.4), dbSNP rs1290334951, ClinGen allele CA731377097.
Genomic context (GRCh38, chr1:215,845,905, plus strand): 5'-GAAGTCCTGCACTGTTGATGCTGTGGACTCCATTGAAGACAGAGATAAAGATCCAATACT[CTG>C]TGTTTGGCTTTAGGTGGCCAATGACATGAGAGTTTACATCTGGCAAGATTTTTAGAGAGT-3'